The following is an entry in ClinVar:

ClinVar aggregate classification (germline): Uncertain significance (1 of 4 stars; one submission).

Submission:

Ambry Genetics
Classification: Uncertain significance. Last evaluated: 2025-12-20. Review status: criteria provided, single submitter. Criteria: Ambry Variant Classification Scheme 2023. Collection method: clinical testing. Allele origin: germline.
Comment: The p.S102C variant (also known as c.305C>G), located in coding exon 2 of the GEN1 gene, results from a C to G substitution at nucleotide position 305. The serine at codon 102 is replaced by cysteine, an amino acid with dissimilar properties. This amino acid position is conserved. In addition, this alteration is predicted to be tolerated by in silico analysis. Based on the available evidence, the clinical significance of this variant remains unclear.

NM_001130009.3(GEN1):c.305C>G (p.Ser102Cys)

Gene: GEN1 (GEN1 structure-specific endonuclease; plus strand). Cytogenetic location: 2p24.2.
Variant type: single nucleotide variant.
Coding change: c.305C>G on transcript NM_001130009.3 (MANE Select); coding-DNA position 305, C replaced by G.
Protein change: p.Ser102Cys; replaces serine 102 with cysteine.
Molecular consequence: missense variant.
Genome position (GRCh38, 1-based): chr2:17,761,539, C>G. VCF-style: chr2-17761539-C-G. GRCh37 (hg19) VCF-style: chr2-17942806-C-G.
Other names: c.305C>G, p.Ser102Cys (NM_182625.5); short protein forms S102C.
Identifiers: ClinVar variation 4842192 (VCV004842192.1).